The following is an entry in ClinVar:

ClinVar aggregate classification (germline): Uncertain significance. Review status: criteria provided, multiple submitters, no conflicts (2 of 4 stars). 2 submissions from 2 submitters: Uncertain significance (2). Last evaluated 2026-01-15.

Conditions:
NCOA1-related disorder. Also called: NCOA1-related condition.

Allele frequency attached by ClinVar (database versions not stated): gnomAD exomes 0.00005; ExAC 0.00008; TOPMed 0.00008; gnomAD 0.00011.
gnomAD v4.1: 88 of 1,614,056 alleles (0.0055%); highest among the groups gnomAD compares: Admixed American, 0.023%; no homozygotes.

Submissions (2):

PreventionGenetics, part of Exact Sciences
Classification: Uncertain significance for NCOA1-related condition. Last evaluated: 2026-01-15. Review status: criteria provided, single submitter. Criteria: ACMG Guidelines, 2015. Collection method: clinical testing. Allele origin: germline.
Comment: The NCOA1 c.1445C>G variant is predicted to result in the amino acid substitution p.Ser482Cys. To our knowledge, this variant has not been reported in the literature. This variant is reported in 0.031% of alleles in individuals of Latino descent in gnomAD. At this time, the clinical significance of this variant is uncertain due to the absence of conclusive functional and genetic evidence.

Ambry Genetics
Classification: Uncertain significance. Last evaluated: 2025-03-07. Review status: criteria provided, single submitter. Criteria: Ambry Variant Classification Scheme 2023. Collection method: clinical testing. Allele origin: germline.

NM_003743.5(NCOA1):c.1445C>G (p.Ser482Cys)

Gene: NCOA1 (nuclear receptor coactivator 1; plus strand). Cytogenetic location: 2p23.3.
Variant type: single nucleotide variant.
Coding change: c.1445C>G on transcript NM_003743.5 (MANE Select); coding-DNA position 1445, C replaced by G.
Protein change: p.Ser482Cys; replaces serine 482 with cysteine.
Molecular consequence: missense variant.
Genome position (GRCh38, 1-based): chr2:24,706,915, C>G. VCF-style: chr2-24706915-C-G. GRCh37 (hg19) VCF-style: chr2-24929784-C-G.
Other names: c.1445C>G, p.Ser482Cys (NM_001362950.1, NM_001362952.1, NM_001362954.1 and 3 more transcripts); short protein forms S482C.
Identifiers: ClinVar variation 2459055 (VCV002459055.6), dbSNP rs555210413, ClinGen allele CA1552260.